The following is an entry in ClinVar:

ClinVar aggregate classification (germline): Likely benign. Review status: criteria provided, multiple submitters, no conflicts (2 of 4 stars). 5 submissions from 5 submitters: Likely benign (5). Last evaluated 2026-06-01.

Conditions:
Inborn genetic diseases. Identifiers: MedGen C0950123, MeSH D030342.
CHARGE syndrome (CHARGE). Also called: Hittner Hirsch Kreh syndrome; CHARGE ASSOCIATION--COLOBOMA, HEART ANOMALY, CHOANAL ATRESIA, RETARDATION, GENITAL AND EAR ANOMALIES; Coloboma, heart anomaly, choanal atresia, retardation, genital and ear anomalies; CHARGE association; Hall-Hittner syndrome. Identifiers: Orphanet 138, MedGen C0265354, MONDO:0008965.

Allele frequency attached by ClinVar (database versions not stated): TOPMed 0.00002; gnomAD 0.00003; ExAC 0.00008.
gnomAD v4.1: 37 of 1,607,624 alleles (0.0023%); highest among the groups gnomAD compares: Admixed American, 0.019%; no homozygotes.

Submissions (5):

CeGaT Center for Human Genetics Tuebingen
Classification: Likely benign. Last evaluated: 2026-06-01. Review status: criteria provided, single submitter. Criteria: CeGaT Center For Human Genetics Tuebingen Variant Classification Criteria Version 2. Collection method: clinical testing. Allele origin: germline. Affected: yes. Observed: 2 variant alleles.
Comment: CHD7: BP4, BP7

Labcorp Genetics (formerly Invitae), Labcorp
Classification: Likely benign for CHARGE syndrome. Last evaluated: 2025-11-06. Review status: criteria provided, single submitter. Criteria: Invitae Variant Classification Sherloc (09022015). Collection method: clinical testing. Allele origin: germline.

GeneDx
Classification: Likely benign. Last evaluated: 2020-11-24. Review status: criteria provided, single submitter. Criteria: GeneDx Variant Classification Process June 2021. Collection method: clinical testing. Allele origin: germline. Affected: yes.
Comment: This variant is associated with the following publications: (PMID: 16763960)

Ambry Genetics
Classification: Likely benign for Inborn genetic diseases. Last evaluated: 2018-04-24. Review status: criteria provided, single submitter. Criteria: Ambry Variant Classification Scheme 2023. Collection method: clinical testing. Allele origin: germline.

Breakthrough Genomics
Classification: Likely benign. Review status: criteria provided, single submitter. Criteria: ACMG Guidelines, 2015. Collection method: not provided. Allele origin: germline. Inheritance: Autosomal dominant inheritance. Affected: yes.

NM_017780.4(CHD7):c.7107C>T (p.Val2369=)

Gene: CHD7 (chromodomain helicase DNA binding protein 7; plus strand). Cytogenetic location: 8q12.2.
Variant type: single nucleotide variant.
Coding change: c.7107C>T on transcript NM_017780.4 (MANE Select); coding-DNA position 7107, C replaced by T.
Protein change: p.Val2369=; no amino-acid change (valine 2369 retained).
Molecular consequence: synonymous variant. On other transcripts: intron variant (1).
Genome position (GRCh38, 1-based): chr8:60,856,145, C>T. VCF-style: chr8-60856145-C-T. GRCh37 (hg19) VCF-style: chr8-61768704-C-T.
Other names: c.1717-6084C>T (NM_001316690.1).
Identifiers: ClinVar variation 704196 (VCV000704196.37), dbSNP rs773674773, ClinGen allele CA4760739.
Genomic context (GRCh38, chr8:60,856,145, plus strand): 5'-CACACCCACCACAGTGGACAGCCCCTTGCAGAAGAGGAGCTTTGCTGAGCTCTCCATGGT[C>T]GGCCAAGCCAGCATTAGTGGGAGTGAGGACATCACTACGTCTCCTCAGTTGTCAAAGGTG-3'
Protein context (NP_060250.2, residues 2359-2379): QKRSFAELSM[Val2369=]GQASISGSED